The following is an entry in ClinVar:

NM_015450.3(POT1):c.1004C>T (p.Thr335Ile)

Gene: POT1 (protection of telomeres 1; minus strand). Cytogenetic location: 7q31.33.
Variant type: single nucleotide variant.
Coding change: c.1004C>T on transcript NM_015450.3 (MANE Select); coding-DNA position 1004, C replaced by T.
Protein change: p.Thr335Ile; replaces threonine 335 with isoleucine.
Molecular consequence: missense variant. On other transcripts: non-coding transcript variant (3).
Genome position (GRCh38, 1-based): chr7:124,846,944, G>A on the plus strand (C>T on the coding strand, the complement: POT1 is on the minus strand). VCF-style: chr7-124846944-G-A. GRCh37 (hg19) VCF-style: chr7-124486998-G-A.
Other names: c.611C>T, p.Thr204Ile (NM_001042594.2); short protein forms T204I, T335I.
Identifiers: ClinVar variation 2814399 (VCV002814399.3), dbSNP rs2116483800, ClinGen allele CA369053667.
Genomic context (GRCh38, chr7:124,846,944, plus strand): 5'-AGGCAGACTTTATTATGCTCATTACTGTGCCCATCTCAAAAATGATACATAGTCTTACTT[G>A]TAGCAGATAGCTGTTGACATCTTTCTACCTCGTATAATGATACTGATCCAGAGCCTATAA-3'
Protein context (NP_056265.2, residues 325-345): EVERCQQLSA[Thr335Ile]ILTDHQYLER

ClinVar aggregate classification (germline): Uncertain significance (1 of 4 stars; one submission).

Conditions:
Tumor predisposition syndrome 3 (TPDS3). Also called: Melanoma, cutaneous malignant, susceptibility to, 10; LONG TELOMERE SYNDROME, POT1-RELATED; POT1 Tumor Predisposition; Glioma susceptibility 9. Identifiers: Orphanet 618, MedGen C4014476, MONDO:0014368, OMIM 615848.

Allele frequency attached by ClinVar (database versions not stated): gnomAD exomes below 0.00001.
gnomAD v4.1: 1 of 1,593,050 alleles (0.000063%); highest among the groups gnomAD compares: Non-Finnish European, 0.000086%; no homozygotes.

Submission:

Labcorp Genetics (formerly Invitae), Labcorp
Classification: Uncertain significance for Tumor predisposition syndrome 3. Last evaluated: 2023-09-08. Review status: criteria provided, single submitter. Criteria: Invitae Variant Classification Sherloc (09022015). Collection method: clinical testing. Allele origin: germline.
Comment: In summary, the available evidence is currently insufficient to determine the role of this variant in disease. Therefore, it has been classified as a Variant of Uncertain Significance. Studies have shown that this missense change results in the activation of a cryptic splice site in exon 12 (Invitae). An algorithm developed to predict the effect of missense changes on protein structure and function (PolyPhen-2) suggests that this variant is likely to be disruptive. This variant has not been reported in the literature in individuals affected with POT1-related conditions. This variant is not present in population databases (gnomAD no frequency). This sequence change replaces threonine, which is neutral and polar, with isoleucine, which is neutral and non-polar, at codon 335 of the POT1 protein (p.Thr335Ile). RNA analysis indicates that this missense change induces altered splicing and likely results in the loss of 19 amino acid residue(s), but is expected to preserve the integrity of the reading-frame.